The following is an entry in ClinVar:

NM_001127222.2(CACNA1A):c.5276A>T (p.Asn1759Ile)

Gene: CACNA1A (calcium voltage-gated channel subunit alpha1 A; minus strand). Cytogenetic location: 19p13.13.
Variant type: single nucleotide variant.
Coding change: c.5276A>T on transcript NM_001127222.2 (MANE Select); coding-DNA position 5276, A replaced by T.
Protein change: p.Asn1759Ile; replaces asparagine 1759 with isoleucine.
Molecular consequence: missense variant.
Genome position (GRCh38, 1-based): chr19:13,231,834, T>A on the plus strand (A>T on the coding strand, the complement: CACNA1A is on the minus strand). VCF-style: chr19-13231834-T-A. GRCh37 (hg19) VCF-style: chr19-13342648-T-A.
Other names: c.5294A>T, p.Asn1765Ile (NM_000068.4, NM_023035.3); c.5279A>T, p.Asn1760Ile (NM_001127221.2); c.5285A>T, p.Asn1762Ile (NM_001174080.2); short protein forms N1759I, N1760I, N1762I, N1765I.
Identifiers: ClinVar variation 4082757 (VCV004082757.1).

ClinVar aggregate classification (germline): Uncertain significance (1 of 4 stars; one submission).

gnomAD v4.1: 1 of 1,613,736 alleles (0.000062%); highest among the groups gnomAD compares: Non-Finnish European, 0.000085%; no homozygotes.

Submission:

GeneDx
Classification: Uncertain significance. Last evaluated: 2025-03-04. Review status: criteria provided, single submitter. Criteria: GeneDx Variant Classification Process June 2021. Collection method: clinical testing. Allele origin: germline. Affected: yes.
Comment: Not observed at significant frequency in large population cohorts (gnomAD); In silico analysis supports that this missense variant has a deleterious effect on protein structure/function; Has not been previously published as pathogenic or benign to our knowledge